The following is an entry in ClinVar:

NM_022437.3(ABCG8):c.866G>A (p.Gly289Asp)

Gene: ABCG8 (ATP binding cassette subfamily G member 8; plus strand). Cytogenetic location: 2p21.
Variant type: single nucleotide variant.
Coding change: c.866G>A on transcript NM_022437.3 (MANE Select); coding-DNA position 866, G replaced by A.
Protein change: p.Gly289Asp; replaces glycine 289 with aspartic acid.
Molecular consequence: missense variant.
Genome position (GRCh38, 1-based): chr2:43,852,770, G>A. VCF-style: chr2-43852770-G-A. GRCh37 (hg19) VCF-style: chr2-44079909-G-A.
Other names: c.866G>A, p.Gly289Asp (NM_001357321.2); c.866G>A (NM_022437.2); short protein forms G289D.
Identifiers: ClinVar variation 597958 (VCV000597958.6), dbSNP rs769842021, ClinGen allele CA1637186.

ClinVar aggregate classification (germline): Uncertain significance. Review status: criteria provided, multiple submitters, no conflicts (2 of 4 stars). 2 submissions from 2 submitters: Uncertain significance (2). Last evaluated 2023-08-15.

Allele frequency attached by ClinVar (database versions not stated): TOPMed 0.00001; ExAC 0.00002.
gnomAD v4.1: 21 of 1,614,088 alleles (0.0013%); highest among the groups gnomAD compares: Middle Eastern, 0.017%; no homozygotes.

Submissions (2):

Women's Health and Genetics/Laboratory Corporation of America, LabCorp
Classification: Uncertain significance. Last evaluated: 2023-08-15. Review status: criteria provided, single submitter. Criteria: LabCorp Variant Classification Summary - May 2015. Collection method: clinical testing. Allele origin: germline.
Comment: Variant summary: ABCG8 c.866G>A (p.Gly289Asp) results in a non-conservative amino acid change located in the ABC transporter-like, ATP-binding domain (IPR003439) of the encoded protein sequence. Four of five in-silico tools predict a damaging effect of the variant on protein function. The variant allele was found at a frequency of 1.6e-05 in 251474 control chromosomes (gnomAD). The available data on variant occurrences in the general population are insufficient to allow any conclusion about variant significance. c.866G>A has been reported in the literature in individuals affected with Dyslipidemia (Dron_2020). This report does not provide unequivocal conclusions about association of the variant with Early Onset Coronary Artery Disease. To our knowledge, no experimental evidence demonstrating an impact on protein function has been reported. The following publication has been ascertained in the context of this evaluation (PMID: 32041611). One ClinVar submitter has assessed the variant since 2014, and classified the variant as uncertain significance. Based on the evidence outlined above, the variant was classified as uncertain significance.

Eurofins Ntd Llc (ga)
Classification: Uncertain significance. Last evaluated: 2018-07-09. Review status: criteria provided, single submitter. Criteria: EGL ClinVar v180209 classification definitions. Collection method: clinical testing. Allele origin: germline. Observed: 1 variant allele, 1 heterozygote.

Literature cited by the submitters: PubMed 32041611 (cited by Women's Health and Genetics/Laboratory Corporation of America, LabCorp).